The following is an entry in ClinVar:

NM_001164508.2(NEB):c.25255C>T (p.Leu8419Phe)

Genes: NEB (nebulin; minus strand), RIF1 (replication timing regulatory factor 1; plus strand). Cytogenetic location: 2q23.3.
Variant type: single nucleotide variant.
Coding change: c.25255C>T on transcript NM_001164508.2 (MANE Select); coding-DNA position 25255, C replaced by T.
Protein change: p.Leu8419Phe; replaces leucine 8419 with phenylalanine.
Molecular consequence: missense variant.
Genome position (GRCh38, 1-based): chr2:151,490,414, G>A on the plus strand (C>T on the coding strand, the complement: NEB is on the minus strand). VCF-style: chr2-151490414-G-A. GRCh37 (hg19) VCF-style: chr2-152346928-G-A.
Other names: c.25255C>T, p.Leu8419Phe (NM_001164507.2); c.25360C>T, p.Leu8454Phe (NM_001271208.2); c.19687C>T, p.Leu6563Phe (NM_004543.5); short protein forms L6563F, L8454F, L8419F.
Identifiers: ClinVar variation 2118142 (VCV002118142.1), dbSNP rs2551668503, ClinGen allele CA348770978.

ClinVar aggregate classification (germline): Uncertain significance (1 of 4 stars; one submission).

Conditions:
Nemaline myopathy 2 (NEM2). Also called: Nemaline myopathy 2, autosomal recessive. Identifiers: MedGen C1850569, MONDO:0009725, OMIM 256030.

Submission:

Labcorp Genetics (formerly Invitae), Labcorp
Classification: Uncertain significance for Nemaline myopathy 2. Last evaluated: 2022-03-27. Review status: criteria provided, single submitter. Criteria: Invitae Variant Classification Sherloc (09022015). Collection method: clinical testing. Allele origin: germline.
Comment: This sequence change replaces leucine, which is neutral and non-polar, with phenylalanine, which is neutral and non-polar, at codon 8454 of the NEB protein (p.Leu8454Phe). This variant is not present in population databases (gnomAD no frequency). This variant has not been reported in the literature in individuals affected with NEB-related conditions. Algorithms developed to predict the effect of missense changes on protein structure and function are either unavailable or do not agree on the potential impact of this missense change (SIFT: "Deleterious"; PolyPhen-2: "Not Available"; Align-GVGD: "Class C0"). In summary, the available evidence is currently insufficient to determine the role of this variant in disease. Therefore, it has been classified as a Variant of Uncertain Significance.